The following is an entry in ClinVar:

NM_003873.7(NRP1):c.92T>C (p.Ile31Thr)

Gene: NRP1 (neuropilin 1; minus strand). Cytogenetic location: 10p11.22.
Variant type: single nucleotide variant.
Coding change: c.92T>C on transcript NM_003873.7 (MANE Select); coding-DNA position 92, T replaced by C.
Protein change: p.Ile31Thr; replaces isoleucine 31 with threonine.
Molecular consequence: missense variant. On other transcripts: non-coding transcript variant (1).
Genome position (GRCh38, 1-based): chr10:33,330,864, A>G on the plus strand (T>C on the coding strand, the complement: NRP1 is on the minus strand). VCF-style: chr10-33330864-A-G. GRCh37 (hg19) VCF-style: chr10-33619792-A-G.
Other names: c.92T>C, p.Ile31Thr (NM_001024628.3, NM_001024629.3, NM_001244972.2 and 2 more transcripts); short protein forms I31T.
Identifiers: ClinVar variation 2631926 (VCV002631926.2), dbSNP rs867341914, ClinGen allele CA206005139.

ClinVar aggregate classification (germline): Uncertain significance (1 of 4 stars; one submission).

Conditions:
NRP1-related disorder. Also called: NRP1-related condition.

Allele frequency attached by ClinVar (database versions not stated): gnomAD exomes 0.00001; gnomAD 0.00003; TOPMed 0.00005.
gnomAD v4.1: 21 of 1,607,670 alleles (0.0013%); highest among the groups gnomAD compares: African/African-American, 0.012%; no homozygotes.

Submission:

PreventionGenetics, part of Exact Sciences
Classification: Uncertain significance for NRP1-related condition. Last evaluated: 2026-09-03. Review status: criteria provided, single submitter. Criteria: ACMG Guidelines, 2015. Collection method: clinical testing. Allele origin: germline.
Comment: The NRP1 c.92T>C variant is predicted to result in the amino acid substitution p.Ile31Thr. To our knowledge, this variant has not been reported in the literature. This variant is reported in 0.0080% of alleles in individuals of African descent in gnomAD. At this time, the clinical significance of this variant is uncertain due to the absence of conclusive functional and genetic evidence.